The following is an entry in ClinVar:

NM_024915.4(GRHL2):c.50T>A (p.Met17Lys)

Gene: GRHL2 (grainyhead like transcription factor 2; plus strand). Cytogenetic location: 8q22.3.
Variant type: single nucleotide variant.
Coding change: c.50T>A on transcript NM_024915.4 (MANE Select); coding-DNA position 50, T replaced by A.
Protein change: p.Met17Lys; replaces methionine 17 with lysine.
Molecular consequence: missense variant. On other transcripts: initiator codon variant (1).
Genome position (GRCh38, 1-based): chr8:101,543,270, T>A. VCF-style: chr8-101543270-T-A. GRCh37 (hg19) VCF-style: chr8-102555498-T-A.
Other names: c.2T>A, p.Met1Lys (NM_001330593.2); short protein forms M1K, M17K.
Identifiers: ClinVar variation 1513130 (VCV001513130.6), dbSNP rs760997445, ClinGen allele CA371643074.

ClinVar aggregate classification (germline): Uncertain significance (1 of 4 stars; one submission).

Submission:

Labcorp Genetics (formerly Invitae), Labcorp
Classification: Uncertain significance. Last evaluated: 2025-08-20. Review status: criteria provided, single submitter. Criteria: Invitae Variant Classification Sherloc (09022015). Collection method: clinical testing. Allele origin: germline.
Comment: This sequence change replaces methionine, which is neutral and non-polar, with lysine, which is basic and polar, at codon 17 of the GRHL2 protein (p.Met17Lys). This variant is present in population databases (no rsID available, gnomAD 0.01%). This variant has not been reported in the literature in individuals affected with GRHL2-related conditions. ClinVar contains an entry for this variant (Variation ID: 1513130). An algorithm developed to predict the effect of missense changes on protein structure and function (PolyPhen-2) suggests that this variant is likely to be disruptive. In summary, the available evidence is currently insufficient to determine the role of this variant in disease. Therefore, it has been classified as a Variant of Uncertain Significance.